The following is an entry in ClinVar:

ClinVar aggregate classification (germline): Uncertain significance (1 of 4 stars; one submission).

Submission:

Labcorp Genetics (formerly Invitae), Labcorp
Classification: Uncertain significance. Last evaluated: 2022-09-27. Review status: criteria provided, single submitter. Criteria: Invitae Variant Classification Sherloc (09022015). Collection method: clinical testing. Allele origin: germline.
Comment: This variant has not been reported in the literature in individuals affected with USH2A-related conditions. In summary, the available evidence is currently insufficient to determine the role of this variant in disease. Therefore, it has been classified as a Variant of Uncertain Significance. Advanced modeling of protein sequence and biophysical properties (such as structural, functional, and spatial information, amino acid conservation, physicochemical variation, residue mobility, and thermodynamic stability) performed at Invitae indicates that this missense variant is not expected to disrupt USH2A protein function. ClinVar contains an entry for this variant (Variation ID: 1504879). This variant is not present in population databases (gnomAD no frequency). This sequence change replaces leucine, which is neutral and non-polar, with arginine, which is basic and polar, at codon 3549 of the USH2A protein (p.Leu3549Arg).

NM_206933.4(USH2A):c.10646T>G (p.Leu3549Arg)

Gene: USH2A (usherin; minus strand). Cytogenetic location: 1q41.
Variant type: single nucleotide variant.
Coding change: c.10646T>G on transcript NM_206933.4 (MANE Select); coding-DNA position 10646, T replaced by G.
Protein change: p.Leu3549Arg; replaces leucine 3549 with arginine.
Molecular consequence: missense variant.
Genome position (GRCh38, 1-based): chr1:215,782,136, A>C on the plus strand (T>G on the coding strand, the complement: USH2A is on the minus strand). VCF-style: chr1-215782136-A-C. GRCh37 (hg19) VCF-style: chr1-215955478-A-C.
Other names: short protein forms L3549R.
Identifiers: ClinVar variation 1504879 (VCV001504879.8), dbSNP rs868782593, ClinGen allele CA37437414.
Genomic context (GRCh38, chr1:215,782,136, plus strand): 5'-GCTTTCAGCTGATATGAATATTCCTGAAATGGTTGAATTCCCTCTTTATCAGAGAAGCTC[A>C]GTGATGTTCCCCGAAAACGTTCAATTCCATTTCGAAGAAGGATGTAGTAAATAATAGGAC-3'
Protein context (NP_996816.3, residues 3539-3559): NGIERFRGTS[Leu3549Arg]SFSDKEGIQP